The following is an entry in ClinVar:

ClinVar aggregate classification (germline): Likely benign (1 of 4 stars; one submission).

Conditions:
Legius syndrome. Identifiers: Orphanet 137605, MedGen C1969623, MONDO:0012669, OMIM 611431. Disease mechanism: loss of function.

Allele frequency attached by ClinVar (database versions not stated): 1000 Genomes Project 0.00319; gnomAD 0.00324 and 0.00348; TOPMed 0.00353; 1000 Genomes Project 30x 0.00359.

Submission:

Illumina Laboratory Services, Illumina
Classification: Likely benign for Legius syndrome. Last evaluated: 2018-01-13. Review status: criteria provided, single submitter. Criteria: ICSL Variant Classification Criteria 13 December 2019. Collection method: clinical testing. Allele origin: germline.
Comment: This variant was observed in the ICSL laboratory as part of a predisposition screen in an ostensibly healthy population. It had not been previously curated by ICSL or reported in the Human Gene Mutation Database (HGMD: prior to June 1st, 2018), and was therefore a candidate for classification through an automated scoring system. Utilizing variant allele frequency, disease prevalence and penetrance estimates, and inheritance mode, an automated score was calculated to assess if this variant is too frequent to cause the disease. Based on the score and internal cut-off values, a variant classified as likely benign is not then subjected to further curation. The score for this variant resulted in a classification of likely benign for this disease.

NM_152594.3(SPRED1):c.*3623G>T

Gene: SPRED1 (sprouty related EVH1 domain containing 1; plus strand). Cytogenetic location: 15q14.
Variant type: single nucleotide variant.
Coding change: c.*3623G>T on transcript NM_152594.3 (MANE Select); 3623 bases downstream of the stop codon, G replaced by T.
Molecular consequence: 3 prime UTR variant.
Genome position (GRCh38, 1-based): chr15:38,355,287, G>T. VCF-style: chr15-38355287-G-T. GRCh37 (hg19) VCF-style: chr15-38647488-G-T.
Identifiers: ClinVar variation 315771 (VCV000315771.5), dbSNP rs148525432, ClinGen allele CA10645818.